The following is an entry in ClinVar:

ClinVar aggregate classification (germline): Uncertain significance. Review status: criteria provided, multiple submitters, no conflicts (2 of 4 stars). 2 submissions from 2 submitters: Uncertain significance (2). Last evaluated 2025-08-26.

Conditions:
Normophosphatemic familial tumoral calcinosis. Also called: CALCINOSIS, TUMORAL, WITH NORMOPHOSPHATEMIA. Identifiers: Orphanet 306658, Orphanet 53715, MedGen C1864861, MONDO:0012502, OMIM 610455.

Submissions (2):

Myriad Genetics, Inc.
Classification: Uncertain significance for Normophosphatemic familial tumoral calcinosis. Last evaluated: 2025-08-26. Review status: criteria provided, single submitter. Criteria: Myriad Autosomal Dominant, Autosomal Recessive and X-Linked Classification Criteria (2023). Collection method: clinical testing. Allele origin: unknown.
Comment: NM_017654.3(SAMD9):c.205_207delGAA(E69del) is an in-frame deletion classified as a variant of uncertain significance in the context of normophosphatemic familial tumoral calcinosis. E69del has not been observed in cases with relevant disease. Relevant functional assessments of this variant are not available in the literature. E69del has not been observed in referenced population frequency databases. In summary, there is insufficient evidence to classify NM_017654.3(SAMD9):c.205_207delGAA(E69del) as pathogenic or benign. Please note: this variant was assessed in the context of healthy population screening.

GeneDx
Classification: Uncertain significance. Last evaluated: 2022-08-02. Review status: criteria provided, single submitter. Criteria: GeneDx Variant Classification Process June 2021. Collection method: clinical testing. Allele origin: germline. Affected: yes.
Comment: Not observed at significant frequency in large population cohorts (gnomAD); In-frame deletion of one amino acids in a non-repeat region; Has not been previously published as pathogenic or benign to our knowledge

NM_017654.4(SAMD9):c.202GAA[1] (p.Glu69del)

Gene: SAMD9 (sterile alpha motif domain containing 9; minus strand). Cytogenetic location: 7q21.2.
Variant type: Microsatellite.
Coding change: c.202GAA[1] on transcript NM_017654.4 (MANE Select); one copy of the 3-base unit GAA starting at c.202; the reference has two copies in a row; one copy, 3 bases deleted.
Protein change: p.Glu69del; deletes glutamic acid 69.
Molecular consequence: inframe deletion.
Genome position (GRCh38, 1-based): chr7:93,105,891-93,105,893, TTC deleted on the plus strand (GAA on the coding strand, the reverse complement: SAMD9 is on the minus strand); deleting any 3 consecutive bases within chr7:93,105,891-93,105,897 gives the same sequence; the position shown is the placement nearest the transcript's 3' end. VCF-style (leftmost placement, unchanged base first): chr7-93105890-GTTC-G. GRCh37 (hg19) VCF-style: chr7-92735203-GTTC-G.
Other names: c.202GAA[1], p.Glu69del (NM_001193307.2); short protein forms E69del.
Identifiers: ClinVar variation 2428899 (VCV002428899.4), dbSNP rs1320309461, ClinGen allele CA843916382.